The following is an entry in ClinVar:

ClinVar aggregate classification (germline): Uncertain significance (1 of 4 stars; one submission).

Conditions:
Hereditary cancer-predisposing syndrome. Also called: Tumor predisposition; Hereditary neoplastic syndrome; Neoplastic Syndromes, Hereditary; Hereditary Cancer Syndrome. Identifiers: Orphanet 140162, MedGen C0027672, MeSH D009386, MONDO:0015356.

Submission:

Ambry Genetics
Classification: Uncertain significance for Hereditary cancer-predisposing syndrome. Last evaluated: 2025-04-25. Review status: criteria provided, single submitter. Criteria: Ambry Variant Classification Scheme 2023. Collection method: clinical testing. Allele origin: germline.
Comment: The p.V2527G variant (also known as c.7580T>G), located in coding exon 14 of the BRCA2 gene, results from a T to G substitution at nucleotide position 7580. The valine at codon 2527 is replaced by glycine, an amino acid with dissimilar properties. The results from two saturation genome editing-based studies, including a haploid cell-survival assay and a humanized mouse embryonic stem cell line assay of drug response and survival, are discordant for this nucleotide substitution (Huang H et al. Nature. 2025 Feb;638(8050):528-537; Sahu S et al. Nature. 2025 Feb;638(8050):538-545).This amino acid position is highly conserved in available vertebrate species. In addition, this alteration is predicted to be deleterious by in silico analysis. Based on the available evidence, the clinical significance of this variant remains unclear.

Literature cited by the submitters: PubMed 39779848; PubMed 39779857.

NM_000059.4(BRCA2):c.7580T>G (p.Val2527Gly)

Gene: BRCA2 (BRCA2 DNA repair associated; plus strand). Cytogenetic location: 13q13.1.
Variant type: single nucleotide variant.
Coding change: c.7580T>G on transcript NM_000059.4 (MANE Select); coding-DNA position 7580, T replaced by G.
Protein change: p.Val2527Gly; replaces valine 2527 with glycine.
Molecular consequence: missense variant. On other transcripts: non-coding transcript variant (1).
Genome position (GRCh38, 1-based): chr13:32,356,572, T>G. VCF-style: chr13-32356572-T-G. GRCh37 (hg19) VCF-style: chr13-32930709-T-G.
Other names: c.7484T>G, p.Val2495Gly (NM_001406719.1); c.7580T>G, p.Val2527Gly (NM_001406720.1, NM_001432077.1); c.2648T>G, p.Val883Gly (NM_001406721.1); c.1163T>G, p.Val388Gly (NM_001406722.1); short protein forms V388G, V883G, V2495G, V2527G.
Identifiers: ClinVar variation 3992786 (VCV003992786.1).